The following is an entry in ClinVar:

NM_000284.4(PDHA1):c.*1394C>T

Genes: PDHA1 (pyruvate dehydrogenase E1 subunit alpha 1; plus strand), MAP3K15 (mitogen-activated protein kinase kinase kinase 15; minus strand). Cytogenetic location: Xp22.12.
Variant type: single nucleotide variant.
Coding change: c.*1394C>T on transcript NM_000284.4 (MANE Select); 1394 bases downstream of the stop codon, C replaced by T.
Molecular consequence: 3 prime UTR variant. On other transcripts: intron variant (1).
Genome position (GRCh38, 1-based): chrX:19,361,047, C>T. VCF-style: chrX-19361047-C-T. GRCh37 (hg19) VCF-style: chrX-19379165-C-T.
Other names: c.*1394C>T (NM_001173454.2, NM_001173455.2, NM_001173456.2); c.3858-214G>A (NM_001001671.4).
Identifiers: ClinVar variation 913016 (VCV000913016.5), dbSNP rs55856360, ClinGen allele CA327032879.

ClinVar aggregate classification (germline): Benign. Review status: criteria provided, multiple submitters, no conflicts (2 of 4 stars). 2 submissions from 2 submitters: Benign (2). Last evaluated 2018-01-13.

Conditions:
Pyruvate dehydrogenase E1-alpha deficiency (PDHAD). Also called: ATAXIA, INTERMITTENT, WITH PYRUVATE DEHYDROGENASE DEFICIENCY; ATAXIA WITH LACTIC ACIDOSIS I; ATAXIA, INTERMITTENT, WITH ABNORMAL PYRUVATE METABOLISM; Ataxia, intermittent, with pyruvate dehydrogenase, or decarboxylase, deficiency. Identifiers: Orphanet 79243, MedGen C1839413, MONDO:0010717, OMIM 312170.

Allele frequency attached by ClinVar (database versions not stated): gnomAD exomes 0.06908; gnomAD 0.21912 and 0.22991; TOPMed 0.24299; 1000 Genomes Project 0.24662; 1000 Genomes Project 30x 0.25515.
gnomAD v4.1: 46,395 of 417,955 alleles (11%); highest among the groups gnomAD compares: African/African-American, 66%; 6,968 homozygotes.

Submissions (2):

Illumina Laboratory Services, Illumina
Classification: Benign for Pyruvate dehydrogenase E1-alpha deficiency. Last evaluated: 2018-01-13. Review status: criteria provided, single submitter. Criteria: ICSL Variant Classification Criteria 13 December 2019. Collection method: clinical testing. Allele origin: germline.
Comment: This variant was observed in the ICSL laboratory as part of a predisposition screen in an ostensibly healthy population. It had not been previously curated by ICSL or reported in the Human Gene Mutation Database (HGMD: prior to June 1st, 2018), and was therefore a candidate for classification through an automated scoring system. Utilizing variant allele frequency, disease prevalence and penetrance estimates, and inheritance mode, an automated score was calculated to assess if this variant is too frequent to cause the disease. Based on the score and internal cut-off values, a variant classified as benign is not then subjected to further curation. The score for this variant resulted in a classification of benign for this disease.

Breakthrough Genomics
Classification: Benign. Review status: criteria provided, single submitter. Criteria: ACMG Guidelines, 2015. Collection method: not provided. Allele origin: germline. Inheritance: X-linked inheritance. Affected: yes.